The following is an entry in ClinVar:

NM_001849.4(COL6A2):c.1905G>T (p.Lys635Asn)

Gene: COL6A2 (collagen type VI alpha 2 chain; plus strand). Cytogenetic location: 21q22.3.
Variant type: single nucleotide variant.
Coding change: c.1905G>T on transcript NM_001849.4 (MANE Select); coding-DNA position 1905, G replaced by T.
Protein change: p.Lys635Asn; replaces lysine 635 with asparagine.
Molecular consequence: missense variant.
Genome position (GRCh38, 1-based): chr21:46,125,553, G>T. VCF-style: chr21-46125553-G-T. GRCh37 (hg19) VCF-style: chr21-47545467-G-T.
Other names: c.1905G>T, p.Lys635Asn (NM_058174.3, NM_058175.3); short protein forms K635N.
Identifiers: ClinVar variation 3899380 (VCV003899380.2).

ClinVar aggregate classification (germline): Likely pathogenic (1 of 4 stars; one submission).

Conditions:
Myosclerosis. Also called: MYOPATHY, MYOSCLEROTIC; MYOSCLEROSIS, CONGENITAL, OF LOWENTHAL; Myosclerosis, congenital. Identifiers: Orphanet 289380, MedGen C1850671, MONDO:0009714, OMIM 255600.
Bethlem myopathy 1B (BTHLM1B). Identifiers: MedGen C5935580, MONDO:0958233, OMIM 620725.
Ullrich congenital muscular dystrophy 1B (UCMD1B). Identifiers: MedGen C5935582, MONDO:0958235, OMIM 620727.

Submission:

Juno Genomics, Hangzhou Juno Genomics, Inc
Classification: Likely pathogenic for Bethlem myopathy 1B; Ullrich congenital muscular dystrophy 1B; Myosclerosis. Review status: criteria provided, single submitter. Criteria: ACMG Guidelines, 2015. Collection method: clinical testing. Allele origin: germline. Affected: yes.
Comment: Absent from controls (or at extremely low frequency if recessive) in Genome Aggregation Database, Exome Sequencing Project, 1000 Genomes Project, or Exome Aggregation Consortium.;Multiple lines of computational evidence support a deleterious effect on the gene or gene product (conservation, evolutionary, splicing impact, etc).;For recessive disorders, detected in trans with a pathogenic variant.;Patient's phenotype or family history is highly specific for a disease with a single genetic etiology.